The following is an entry in ClinVar:

NM_133372.3(FNIP1):c.2372T>C (p.Ile791Thr)

Gene: FNIP1 (folliculin interacting protein 1; minus strand). Cytogenetic location: 5q31.1.
Variant type: single nucleotide variant.
Coding change: c.2372T>C on transcript NM_133372.3 (MANE Select); coding-DNA position 2372, T replaced by C.
Protein change: p.Ile791Thr; replaces isoleucine 791 with threonine.
Molecular consequence: missense variant.
Genome position (GRCh38, 1-based): chr5:131,672,072, A>G on the plus strand (T>C on the coding strand, the complement: FNIP1 is on the minus strand). VCF-style: chr5-131672072-A-G. GRCh37 (hg19) VCF-style: chr5-131007765-A-G.
Other names: c.2288T>C, p.Ile763Thr (NM_001008738.3); c.2237T>C, p.Ile746Thr (NM_001346114.2); c.2372T>C (NM_133372.2); short protein forms I791T, I763T, I746T.
Identifiers: ClinVar variation 2194613 (VCV002194613.2), dbSNP rs373328701, ClinGen allele CA3400525.

ClinVar aggregate classification (germline): Uncertain significance. Review status: criteria provided, multiple submitters, no conflicts (2 of 4 stars). 2 submissions from 2 submitters: Uncertain significance (2). Last evaluated 2022-07-30.

Conditions:
Inborn genetic diseases. Identifiers: MedGen C0950123, MeSH D030342.

Allele frequency attached by ClinVar (database versions not stated): gnomAD 0.00001; ExAC 0.00002; TOPMed 0.00002; gnomAD exomes 0.00004; ESP Exome Variant Server 0.00015.
gnomAD v4.1: 64 of 1,614,072 alleles (0.004%); highest among the groups gnomAD compares: Non-Finnish European, 0.0053%; no homozygotes.

Submissions (2):

Labcorp Genetics (formerly Invitae), Labcorp
Classification: Uncertain significance. Last evaluated: 2022-07-30. Review status: criteria provided, single submitter. Criteria: Invitae Variant Classification Sherloc (09022015). Collection method: clinical testing. Allele origin: germline.
Comment: This sequence change replaces isoleucine, which is neutral and non-polar, with threonine, which is neutral and polar, at codon 791 of the FNIP1 protein (p.Ile791Thr). This variant is present in population databases (rs373328701, gnomAD 0.008%). This variant has not been reported in the literature in individuals affected with FNIP1-related conditions. Algorithms developed to predict the effect of missense changes on protein structure and function (SIFT, PolyPhen-2, Align-GVGD) all suggest that this variant is likely to be tolerated. In summary, the available evidence is currently insufficient to determine the role of this variant in disease. Therefore, it has been classified as a Variant of Uncertain Significance.

Ambry Genetics
Classification: Uncertain significance for Inborn genetic diseases. Last evaluated: 2021-08-16. Review status: criteria provided, single submitter. Criteria: Ambry Variant Classification Scheme 2023. Collection method: clinical testing. Allele origin: germline.